The following is an entry in ClinVar:

ClinVar aggregate classification (germline): Likely benign. Review status: criteria provided, multiple submitters, no conflicts (2 of 4 stars). 3 submissions from 3 submitters: Likely benign (3). Last evaluated 2025-12-08.

Conditions:
Ellis-van Creveld syndrome (EVC). Also called: Chondroectodermal dysplasia; MESOECTODERMAL DYSPLASIA. Identifiers: Orphanet 289, MedGen C0013903, MONDO:0009162, OMIM 225500.
Curry-Hall syndrome (WAD). Also called: WEYERS ACRODENTAL DYSOSTOSIS. Identifiers: Orphanet 952, MedGen C0457013, MONDO:0008673, OMIM 193530.

Allele frequency attached by ClinVar (database versions not stated): ExAC 0.00002; gnomAD 0.00003; TOPMed 0.00004.
gnomAD v4.1: 43 of 1,614,052 alleles (0.0027%); highest among the groups gnomAD compares: Middle Eastern, 0.12%; no homozygotes.

Submissions (3):

Labcorp Genetics (formerly Invitae), Labcorp
Classification: Likely benign for Curry-Hall syndrome; Ellis-van Creveld syndrome. Last evaluated: 2025-12-08. Review status: criteria provided, single submitter. Criteria: Invitae Variant Classification Sherloc (09022015). Collection method: clinical testing. Allele origin: germline.

Blueprint Genetics
Classification: Likely benign. Last evaluated: 2024-11-11. Review status: criteria provided, single submitter. Criteria: ACMG Guidelines, 2015. Collection method: clinical testing. Allele origin: germline.

CeGaT Center for Human Genetics Tuebingen
Classification: Likely benign. Last evaluated: 2023-04-01. Review status: criteria provided, single submitter. Criteria: CeGaT Center For Human Genetics Tuebingen Variant Classification Criteria Version 2. Collection method: clinical testing. Allele origin: germline. Affected: yes. Observed: 1 variant allele.
Comment: EVC2: BP4, BP7

NM_147127.5(EVC2):c.3732G>A (p.Leu1244=)

Gene: EVC2 (EvC ciliary complex subunit 2; minus strand). Cytogenetic location: 4p16.2.
Variant type: single nucleotide variant.
Coding change: c.3732G>A on transcript NM_147127.5 (MANE Select); coding-DNA position 3732, G replaced by A.
Protein change: p.Leu1244=; no amino-acid change (leucine 1244 retained).
Molecular consequence: synonymous variant.
Genome position (GRCh38, 1-based): chr4:5,563,043, C>T on the plus strand (G>A on the coding strand, the complement: EVC2 is on the minus strand). VCF-style: chr4-5563043-C-T. GRCh37 (hg19) VCF-style: chr4-5564770-C-T.
Other names: c.3492G>A, p.Leu1164= (NM_001166136.2).
Identifiers: ClinVar variation 710583 (VCV000710583.36), dbSNP rs774269538, ClinGen allele CA2834197.